The following is an entry in ClinVar:

ClinVar aggregate classification (germline): Uncertain significance. Review status: criteria provided, multiple submitters, no conflicts (2 of 4 stars). 4 submissions from 4 submitters: Uncertain significance (4). Last evaluated 2025-07-31.

Conditions:
Hereditary cancer-predisposing syndrome. Also called: Hereditary Cancer Syndrome; Hereditary neoplastic syndrome; Neoplastic Syndromes, Hereditary; Tumor predisposition. Identifiers: Orphanet 140162, MedGen C0027672, MeSH D009386, MONDO:0015356.
Familial cancer of breast. Also called: hereditary breast carcinoma; BREAST CANCER, FAMILIAL; Hereditary breast cancer. Identifiers: Orphanet 227535, MedGen C0346153, MONDO:0016419, OMIM 114480. Disease mechanism: loss of function.
Fanconi anemia complementation group J. Also called: BRIP1-Related Fanconi Anemia. Identifiers: Orphanet 84, MedGen C1836860, MONDO:0012187, OMIM 609054.
Breast-ovarian cancer, familial, susceptibility to, 1 (BROVCA1). Also called: OVARIAN CANCER, SUSCEPTIBILITY TO; BRCA1 Hereditary Breast and Ovarian Cancer. Identifiers: Orphanet 145, MedGen C2676676, MONDO:0011450, OMIM 604370. Disease mechanism: loss of function.

Allele frequency attached by ClinVar (database versions not stated): gnomAD exomes below 0.00001.
gnomAD v4.1: 3 of 1,602,044 alleles (0.00019%); highest among the groups gnomAD compares: Non-Finnish European, 0.00026%; no homozygotes.

Submissions (4):

Institute of Immunology and Genetics Kaiserslautern
Classification: Uncertain significance for Breast-ovarian cancer, familial, susceptibility to, 1. Last evaluated: 2025-07-31. Review status: criteria provided, single submitter. Criteria: ACMG Guidelines, 2015. Collection method: clinical testing. Allele origin: germline. Affected: no.
Comment: ACMG Criteria: PM2_P, PP3; Variant was found in heterozygous state.

Ambry Genetics
Classification: Uncertain significance for Hereditary cancer-predisposing syndrome. Last evaluated: 2024-12-14. Review status: criteria provided, single submitter. Criteria: Ambry Variant Classification Scheme 2023. Collection method: clinical testing. Allele origin: germline.
Comment: The p.N801D variant (also known as c.2401A>G), located in coding exon 16 of the BRIP1 gene, results from an A to G substitution at nucleotide position 2401. The asparagine at codon 801 is replaced by aspartic acid, an amino acid with highly similar properties. This amino acid position is highly conserved in available vertebrate species. In addition, the in silico prediction for this alteration is inconclusive. Since supporting evidence is limited at this time, the clinical significance of this alteration remains unclear.

Labcorp Genetics (formerly Invitae), Labcorp
Classification: Uncertain significance for Familial cancer of breast; Fanconi anemia complementation group J. Last evaluated: 2024-06-06. Review status: criteria provided, single submitter. Criteria: Invitae Variant Classification Sherloc (09022015). Collection method: clinical testing. Allele origin: germline.
Comment: This sequence change replaces asparagine, which is neutral and polar, with aspartic acid, which is acidic and polar, at codon 801 of the BRIP1 protein (p.Asn801Asp). This variant is not present in population databases (gnomAD no frequency). This variant has not been reported in the literature in individuals affected with BRIP1-related conditions. ClinVar contains an entry for this variant (Variation ID: 821222). Advanced modeling of protein sequence and biophysical properties (such as structural, functional, and spatial information, amino acid conservation, physicochemical variation, residue mobility, and thermodynamic stability) performed at Invitae indicates that this missense variant is expected to disrupt BRIP1 protein function with a positive predictive value of 80%. In summary, the available evidence is currently insufficient to determine the role of this variant in disease. Therefore, it has been classified as a Variant of Uncertain Significance.

Color Diagnostics, LLC DBA Color Health
Classification: Uncertain significance for Hereditary cancer-predisposing syndrome. Last evaluated: 2023-12-04. Review status: criteria provided, single submitter. Criteria: ACMG Guidelines, 2015. Collection method: clinical testing. Allele origin: germline.
Comment: This missense variant replaces asparagine with aspartic acid at codon 801 of the BRIP1 protein. Computational prediction suggests that this variant may have deleterious impact on protein structure and function (internally defined REVEL score threshold >= 0.7, PMID: 27666373). To our knowledge, functional studies have not been reported for this variant. This variant has not been reported in individuals affected with BRIP1-related disorders in the literature. This variant has not been identified in the general population by the Genome Aggregation Database (gnomAD). The available evidence is insufficient to determine the role of this variant in disease conclusively. Therefore, this variant is classified as a Variant of Uncertain Significance.

NM_032043.3(BRIP1):c.2401A>G (p.Asn801Asp)

Gene: BRIP1 (BRCA1 interacting DNA helicase 1; minus strand). Cytogenetic location: 17q23.2.
Variant type: single nucleotide variant.
Coding change: c.2401A>G on transcript NM_032043.3 (MANE Select); coding-DNA position 2401, A replaced by G.
Protein change: p.Asn801Asp; replaces asparagine 801 with aspartic acid.
Molecular consequence: missense variant.
Genome position (GRCh38, 1-based): chr17:61,716,042, T>C on the plus strand (A>G on the coding strand, the complement: BRIP1 is on the minus strand). VCF-style: chr17-61716042-T-C. GRCh37 (hg19) VCF-style: chr17-59793403-T-C.
Other names: short protein forms N801D.
Identifiers: ClinVar variation 821222 (VCV000821222.20), dbSNP rs1408016407, ClinGen allele CA400479779.